The following is an entry in ClinVar:

NM_015450.3(POT1):c.1832A>G (p.Asn611Ser)

Gene: POT1 (protection of telomeres 1; minus strand). Cytogenetic location: 7q31.33.
Variant type: single nucleotide variant.
Coding change: c.1832A>G on transcript NM_015450.3 (MANE Select); coding-DNA position 1832, A replaced by G.
Protein change: p.Asn611Ser; replaces asparagine 611 with serine.
Molecular consequence: missense variant. On other transcripts: non-coding transcript variant (3).
Genome position (GRCh38, 1-based): chr7:124,824,035, T>C on the plus strand (A>G on the coding strand, the complement: POT1 is on the minus strand). VCF-style: chr7-124824035-T-C. GRCh37 (hg19) VCF-style: chr7-124464089-T-C.
Other names: c.1439A>G, p.Asn480Ser (NM_001042594.2); short protein forms N611S, N480S.
Identifiers: ClinVar variation 475063 (VCV000475063.16), dbSNP rs376707680, ClinGen allele CA4464959.

ClinVar aggregate classification (germline): Conflicting classifications of pathogenicity. Review status: criteria provided, conflicting classifications (1 of 4 stars). 4 submissions from 4 submitters: Uncertain significance (3); Likely benign (1). Last evaluated 2026-02-02.

Conditions:
Tumor predisposition syndrome 3 (TPDS3). Also called: Glioma susceptibility 9; LONG TELOMERE SYNDROME, POT1-RELATED; POT1 Tumor Predisposition; Melanoma, cutaneous malignant, susceptibility to, 10. Identifiers: Orphanet 618, MedGen C4014476, MONDO:0014368, OMIM 615848.
Hereditary cancer-predisposing syndrome. Also called: Hereditary neoplastic syndrome; Hereditary Cancer Syndrome; Neoplastic Syndromes, Hereditary; Tumor predisposition. Identifiers: Orphanet 140162, MedGen C0027672, MeSH D009386, MONDO:0015356.

Allele frequency attached by ClinVar (database versions not stated): gnomAD 0.00001; TOPMed 0.00001; ExAC 0.00002; gnomAD exomes 0.00002.
gnomAD v4.1: 33 of 1,608,856 alleles (0.0021%); highest among the groups gnomAD compares: Admixed American, 0.005%; no homozygotes.

Submissions (4):

Labcorp Genetics (formerly Invitae), Labcorp
Classification: Uncertain significance for Tumor predisposition syndrome 3. Last evaluated: 2026-02-02. Review status: criteria provided, single submitter. Criteria: Invitae Variant Classification Sherloc (09022015). Collection method: clinical testing. Allele origin: germline.
Comment: This sequence change replaces asparagine, which is neutral and polar, with serine, which is neutral and polar, at codon 611 of the POT1 protein (p.Asn611Ser). This variant is present in population databases (rs376707680, gnomAD 0.01%). This missense change has been observed in individual(s) with cutaneous melanoma (PMID: 36539277). ClinVar contains an entry for this variant (Variation ID: 475063). Invitae Evidence Modeling of protein sequence and biophysical properties (such as structural, functional, and spatial information, amino acid conservation, physicochemical variation, residue mobility, and thermodynamic stability) indicates that this missense variant is not expected to disrupt POT1 protein function with a negative predictive value of 80%. In summary, the available evidence is currently insufficient to determine the role of this variant in disease. Therefore, it has been classified as a Variant of Uncertain Significance.

Ambry Genetics
Classification: Likely benign for Hereditary cancer-predisposing syndrome. Last evaluated: 2025-04-25. Review status: criteria provided, single submitter. Criteria: Ambry Variant Classification Scheme 2023. Collection method: clinical testing. Allele origin: germline.

Quest Diagnostics Nichols Institute San Juan Capistrano
Classification: Uncertain significance. Last evaluated: 2024-03-12. Review status: criteria provided, single submitter. Criteria: Quest Diagnostics criteria. Collection method: clinical testing. Allele origin: unknown.
Comment: The POT1 c.1832A>G (p.Asn611Ser) variant has been reported in the published literature in an individual with cutaneous melanoma (PMID: 36539277 (2022)). The frequency of this variant in the general population, 0.000016 (4/247244 chromosomes (Genome Aggregation Database)), is uninformative in the assessment of its pathogenicity. Analysis of this variant using bioinformatics tools for the prediction of the effect of amino acid changes on protein structure and function yielded conflicting predictions that this variant is benign or damaging. Based on the available information, we are unable to determine the clinical significance of this variant.

Women's Health and Genetics/Laboratory Corporation of America, LabCorp
Classification: Uncertain significance. Last evaluated: 2022-11-15. Review status: criteria provided, single submitter. Criteria: LabCorp Variant Classification Summary - May 2015. Collection method: clinical testing. Allele origin: germline.
Comment: Variant summary: POT1 c.1832A>G (p.Asn611Ser) results in a conservative amino acid change in the encoded protein sequence. Three of five in-silico tools predict a benign effect of the variant on protein function. The variant allele was found at a frequency of 1.6e-05 in 247244 control chromosomes (gnomAD). The available data on variant occurrences in the general population are insufficient to allow any conclusion about variant significance. To our knowledge, no occurrence of c.1832A>G in individuals affected with POT1-Related Disorders and no experimental evidence demonstrating its impact on protein function have been reported. Two ClinVar submitters (evaluation after 2014) cite this variant as uncertain significance. Based on the evidence outlined above, the variant was classified as uncertain significance.

Literature cited by the submitters: PubMed 36539277 (cited by Labcorp Genetics (formerly Invitae), Labcorp and Quest Diagnostics Nichols Institute San Juan Capistrano); PubMed 34193977 (cited by Ambry Genetics); PubMed 30556179 (cited by Quest Diagnostics Nichols Institute San Juan Capistrano).